The following is an entry in ClinVar:

ClinVar aggregate classification (germline): Uncertain significance (1 of 4 stars; one submission).

Conditions:
Joubert syndrome 21 (JBTS21). Identifiers: MedGen C3810212, MONDO:0014288, OMIM 615636.

Allele frequency attached by ClinVar (database versions not stated): gnomAD exomes 0.00001; ExAC 0.00002; TOPMed 0.00001.
gnomAD v4.1: 8 of 1,613,968 alleles (0.0005%); highest among the groups gnomAD compares: Admixed American, 0.012%; no homozygotes.

Submission:

Labcorp Genetics (formerly Invitae), Labcorp
Classification: Uncertain significance for Joubert syndrome 21. Last evaluated: 2022-08-21. Review status: criteria provided, single submitter. Criteria: Invitae Variant Classification Sherloc (09022015). Collection method: clinical testing. Allele origin: germline.
Comment: This sequence change replaces glutamic acid, which is acidic and polar, with glutamine, which is neutral and polar, at codon 1073 of the CSPP1 protein (p.Glu1073Gln). This variant is present in population databases (rs778230894, gnomAD 0.02%). This variant has not been reported in the literature in individuals affected with CSPP1-related conditions. Algorithms developed to predict the effect of missense changes on protein structure and function are either unavailable or do not agree on the potential impact of this missense change (SIFT: "Tolerated"; PolyPhen-2: "Probably Damaging"; Align-GVGD: "Class C0"). In summary, the available evidence is currently insufficient to determine the role of this variant in disease. Therefore, it has been classified as a Variant of Uncertain Significance.

NM_001382391.1(CSPP1):c.3232G>C (p.Glu1078Gln)

Genes: ARFGEF1 (ARF guanine nucleotide exchange factor 1; minus strand), CSPP1 (centrosome and spindle pole associated protein 1; plus strand). Cytogenetic location: 8q13.2.
Variant type: single nucleotide variant.
Coding change: c.3232G>C on transcript NM_001382391.1 (MANE Select); coding-DNA position 3232, G replaced by C.
Protein change: p.Glu1078Gln; replaces glutamic acid 1078 with glutamine.
Molecular consequence: missense variant. On other transcripts: intron variant (2).
Genome position (GRCh38, 1-based): chr8:67,190,661, G>C. VCF-style: chr8-67190661-G-C. GRCh37 (hg19) VCF-style: chr8-68102896-G-C.
Other names: c.2182G>C, p.Glu728Gln (NM_001291339.2); c.3151G>C, p.Glu1051Gln (NM_001363131.2); c.3037G>C, p.Glu1013Gln (NM_001363132.2); c.2956G>C, p.Glu986Gln (NM_001363133.2); c.3298G>C, p.Glu1100Gln (NM_001364869.1); c.3118G>C, p.Glu1040Gln (NM_001364870.1); c.3064G>C, p.Glu1022Gln (NM_001438330.1); c.3217G>C, p.Glu1073Gln (NM_001438331.1, NM_024790.7); and 3 more; short protein forms E1013Q, E1040Q, E1051Q, E1073Q, E1078Q, E1100Q, E728Q, E986Q.
Identifiers: ClinVar variation 2416593 (VCV002416593.3), dbSNP rs778230894, ClinGen allele CA4771110.
Genomic context (GRCh38, chr8:67,190,661, plus strand): 5'-AGATTTGAAGCAGTATTAAGACTCCTTCTGCTTTTCGGGGTCCTCTTAGGGGCTTACGGT[G>C]AGACATATCCTGCCATTGAAGATGACGTCCTCCCTCCACCATCACAGTTGCCCTCTGCAC-3'
Protein context (NP_001369320.1, residues 1068-1088): SDSAFIGAYG[Glu1078Gln]TYPAIEDDVL